The following is an entry in ClinVar:

NM_000701.8(ATP1A1):c.329T>C (p.Leu110Pro)

Gene: ATP1A1 (ATPase Na+/K+ transporting subunit alpha 1; plus strand). Cytogenetic location: 1p13.1.
Variant type: single nucleotide variant.
Coding change: c.329T>C on transcript NM_000701.8 (MANE Select); coding-DNA position 329, T replaced by C.
Protein change: p.Leu110Pro; replaces leucine 110 with proline.
Molecular consequence: missense variant.
Genome position (GRCh38, 1-based): chr1:116,387,433, T>C. VCF-style: chr1-116387433-T-C. GRCh37 (hg19) VCF-style: chr1-116930055-T-C.
Other names: c.329T>C, p.Leu110Pro (NM_001160233.2); c.236T>C, p.Leu79Pro (NM_001160234.2); short protein forms L110P, L79P.
Identifiers: ClinVar variation 2503378 (VCV002503378.1), dbSNP rs2525823800, ClinGen allele CA341841396.

ClinVar aggregate classification (germline): Uncertain significance (1 of 4 stars; one submission).

Submission:

GeneDx
Classification: Uncertain significance. Last evaluated: 2022-11-29. Review status: criteria provided, single submitter. Criteria: GeneDx Variant Classification Process June 2021. Collection method: clinical testing. Allele origin: germline. Affected: yes.
Comment: Not observed at significant frequency in large population cohorts (gnomAD); In silico analysis supports that this missense variant has a deleterious effect on protein structure/function; Has not been previously published as pathogenic or benign to our knowledge